The following is an entry in ClinVar:

ClinVar aggregate classification (germline): Pathogenic. Review status: criteria provided, multiple submitters, no conflicts (2 of 4 stars). 2 submissions from 2 submitters: Pathogenic (2). Last evaluated 2022-03-09.

Conditions:
Atrioventricular septal defect 5 (AVSD5). Identifiers: MedGen C3280939, MONDO:0013769, OMIM 614474.
Heart defects, congenital, and other congenital anomalies. Also called: Pancreatic hypoplasia-diabetes-congenital heart disease syndrome; PANCREATIC HYPOPLASIA, CONGENITAL, WITH DIABETES MELLITUS AND CONGENITAL HEART DISEASE. Identifiers: Orphanet 2255, MedGen C2931296, MONDO:0010802, OMIM 600001.

Submissions (2):

Labcorp Genetics (formerly Invitae), Labcorp
Classification: Pathogenic for Atrioventricular septal defect 5. Last evaluated: 2022-03-09. Review status: criteria provided, single submitter. Criteria: Invitae Variant Classification Sherloc (09022015). Collection method: clinical testing. Allele origin: germline.
Comment: For these reasons, this variant has been classified as Pathogenic. Algorithms developed to predict the effect of sequence changes on RNA splicing suggest that this variant may disrupt the consensus splice site. ClinVar contains an entry for this variant (Variation ID: 653141). This premature translational stop signal has been observed in individual(s) with pancreatic agenesis and congenital heart defects (PMID: 24310933). In at least one individual the variant was observed to be de novo. This variant is not present in population databases (gnomAD no frequency). This sequence change creates a premature translational stop signal (p.Arg493*) in the GATA6 gene. It is expected to result in an absent or disrupted protein product. Loss-of-function variants in GATA6 are known to be pathogenic (PMID: 22158542, 24310933).

Juno Genomics, Hangzhou Juno Genomics, Inc
Classification: Pathogenic for Heart defects, congenital, and other congenital anomalies. Review status: criteria provided, single submitter. Criteria: ACMG Guidelines, 2015. Collection method: clinical testing. Allele origin: germline. Affected: yes.
Comment: Absent from controls (or at extremely low frequency if recessive) in Genome Aggregation Database, Exome Sequencing Project, 1000 Genomes Project, or Exome Aggregation Consortium.;Null variant in a gene where loss of function (LOF) is a known mechanism of disease.;The prevalence of the variant in affected individuals is significantly increased compared to the prevalence in controls.;De novo (both maternity and paternity confirmed) in a patient with the disease and no family history.;Patient's phenotype or family history is highly specific for a disease with a single genetic etiology.

Literature cited by the submitters: PubMed 24310933 (cited by Labcorp Genetics (formerly Invitae), Labcorp); PubMed 22158542 (cited by Labcorp Genetics (formerly Invitae), Labcorp).

NM_005257.6(GATA6):c.1477C>T (p.Arg493Ter)

Gene: GATA6 (GATA binding protein 6; plus strand). Cytogenetic location: 18q11.2.
Variant type: single nucleotide variant.
Coding change: c.1477C>T on transcript NM_005257.6 (MANE Select); coding-DNA position 1477, C replaced by T.
Protein change: p.Arg493Ter; replaces arginine 493 with a stop codon.
Molecular consequence: nonsense.
Genome position (GRCh38, 1-based): chr18:22,182,805, C>T. VCF-style: chr18-22182805-C-T. GRCh37 (hg19) VCF-style: chr18-19762766-C-T.
Other names: short protein forms R493*.
Identifiers: ClinVar variation 653141 (VCV000653141.12), dbSNP rs1598737976, ClinGen allele CA401802668.
Genomic context (GRCh38, chr18:22,182,805, plus strand): 5'-AAAATTTTTTAGGTGCCCAGACCACTTGCTATGAAAAAAGAGGGAATTCAAACCAGGAAA[C>T]GAAAACCTAAGAACATAAATAAATCAAAGACTTGCTCTGGTAAATATACTAAAATGACGT-3'